The following is an entry in ClinVar:

ClinVar aggregate classification (germline): Uncertain significance (1 of 4 stars; one submission).

Submission:

Labcorp Genetics (formerly Invitae), Labcorp
Classification: Uncertain significance. Last evaluated: 2023-04-07. Review status: criteria provided, single submitter. Criteria: Invitae Variant Classification Sherloc (09022015). Collection method: clinical testing. Allele origin: germline.
Comment: In summary, the available evidence is currently insufficient to determine the role of this variant in disease. Therefore, it has been classified as a Variant of Uncertain Significance. Experimental studies and prediction algorithms are not available or were not evaluated, and the functional significance of this variant is currently unknown. This variant has not been reported in the literature in individuals affected with ABL1-related conditions. This variant is not present in population databases (gnomAD no frequency). This sequence change creates a premature translational stop signal (p.Val978Cysfs*110) in the ABL1 gene. While this is not anticipated to result in nonsense mediated decay, it is expected to disrupt the last 172 amino acid(s) of the ABL1 protein.

NM_005157.6(ABL1):c.2874del (p.Val959fs)

Gene: ABL1 (ABL proto-oncogene 1, non-receptor tyrosine kinase; plus strand). Cytogenetic location: 9q34.12.
Variant type: Deletion.
Coding change: c.2874del on transcript NM_005157.6 (MANE Select); coding-DNA position 2874, one base deleted (C; older notation c.2874delC).
Protein change: p.Val959fs; shifts the reading frame from valine 959.
Molecular consequence: frameshift variant.
Genome position (GRCh38, 1-based): chr9:130,885,164, C deleted; the last of 3 consecutive C bases (chr9:130,885,162-130,885,164); deleting any one gives the same sequence. VCF-style (leftmost placement, unchanged base first): chr9-130885161-GC-G. GRCh37 (hg19) VCF-style: chr9-133760548-GC-G.
Other names: c.2931del, p.Val978fs (NM_007313.3); short protein forms V978fs, V959fs.
Identifiers: ClinVar variation 2853282 (VCV002853282.3), dbSNP rs2490752900, ClinGen allele CA2739265131.